The following is an entry in ClinVar:

ClinVar aggregate classification (germline): Uncertain significance (1 of 4 stars; one submission).

Submission:

GeneDx
Classification: Uncertain significance. Last evaluated: 2026-02-24. Review status: criteria provided, single submitter. Criteria: GeneDx Variant Classification Process June 2021. Collection method: clinical testing. Allele origin: germline.
Comment: Not observed at significant frequency in large population cohorts (gnomAD); In silico analysis supports that this missense variant has a deleterious effect on protein structure/function; Has not been previously published as pathogenic or benign to our knowledge

NM_004663.5(RAB11A):c.245G>T (p.Arg82Leu)

Gene: RAB11A (RAB11A, member RAS oncogene family; plus strand). Cytogenetic location: 15q22.31.
Variant type: single nucleotide variant.
Coding change: c.245G>T on transcript NM_004663.5 (MANE Select); coding-DNA position 245, G replaced by T.
Protein change: p.Arg82Leu; replaces arginine 82 with leucine.
Molecular consequence: missense variant.
Genome position (GRCh38, 1-based): chr15:65,877,770, G>T. VCF-style: chr15-65877770-G-T. GRCh37 (hg19) VCF-style: chr15-66170108-G-T.
Other names: c.245G>T, p.Arg82Leu (NM_001206836.2); short protein forms R82L.
Identifiers: ClinVar variation 5010123 (VCV005010123.1).